The following is an entry in ClinVar:

ClinVar aggregate classification (germline): Pathogenic. Review status: criteria provided, multiple submitters, no conflicts (2 of 4 stars). 4 submissions from 4 submitters: Pathogenic (3). 1 of the submissions does not count toward it. Last evaluated 2025-10-21.

Conditions:
DNAH11-related disorder. Also called: DNAH11-related condition.
Primary ciliary dyskinesia. Also called: Ciliary dyskinesia. Identifiers: Orphanet 244, MedGen C0008780, MONDO:0016575, HP:0012265.
Primary ciliary dyskinesia 7. Also called: CILIARY DYSKINESIA, PRIMARY, 7, WITH OR WITHOUT SITUS INVERSUS. Identifiers: Orphanet 244, MedGen C2678473, MONDO:0012748, OMIM 611884.

Submissions (4):

Labcorp Genetics (formerly Invitae), Labcorp
Classification: Pathogenic for Primary ciliary dyskinesia. Last evaluated: 2025-10-21. Review status: criteria provided, single submitter. Criteria: Invitae Variant Classification Sherloc (09022015). Collection method: clinical testing. Allele origin: germline.
Comment: This sequence change creates a premature translational stop signal (p.Val2382Serfs*9) in the DNAH11 gene. It is expected to result in an absent or disrupted protein product. Loss-of-function variants in DNAH11 are known to be pathogenic (PMID: 18022865, 20513915, 22184204). This variant is present in population databases (rs768452027, gnomAD 0.03%). This variant has not been reported in the literature in individuals affected with DNAH11-related conditions. ClinVar contains an entry for this variant (Variation ID: 238930). For these reasons, this variant has been classified as Pathogenic.

Genomic Medicine Center of Excellence, King Faisal Specialist Hospital and Research Centre
Classification: Pathogenic for Primary ciliary dyskinesia 7. Last evaluated: 2024-12-19. Review status: criteria provided, single submitter. Criteria: ACMG Guidelines, 2015. Collection method: clinical testing. Allele origin: germline.

Ambry Genetics
Classification: Pathogenic for Primary ciliary dyskinesia. Last evaluated: 2019-05-09. Review status: criteria provided, single submitter. Criteria: Ambry Variant Classification Scheme 2023. Collection method: clinical testing. Allele origin: germline.
Comment: The c.7140_7141delAT variant, located in coding exon 44 of the DNAH11 gene, results from a deletion of two nucleotides at nucleotide positions 7140 to 7141, causing a translational frameshift with a predicted alternate stop codon (p.V2382Sfs*9). This alteration is expected to result in loss of function by premature protein truncation or nonsense-mediated mRNA decay. As such, this alteration is interpreted as a disease-causing mutation.

PreventionGenetics, part of Exact Sciences
Classification: Likely pathogenic for DNAH11-related condition. Last evaluated: 2024-05-14. Review status: no assertion criteria provided. Collection method: clinical testing. Allele origin: germline. Not counted in ClinVar's aggregate classification.
Comment: The DNAH11 c.7140_7141delAT variant is predicted to result in a frameshift and premature protein termination (p.Val2382Serfs*9). To our knowledge, this variant has not been reported in the literature. This variant is reported in 0.030% of alleles in individuals of African descent in gnomAD. Frameshift variants in DNAH11 are expected to be pathogenic. This variant is interpreted as likely pathogenic.

Literature cited by the submitters: PubMed 18022865 (cited by Labcorp Genetics (formerly Invitae), Labcorp); PubMed 20513915 (cited by Labcorp Genetics (formerly Invitae), Labcorp); PubMed 22184204 (cited by Labcorp Genetics (formerly Invitae), Labcorp).

NM_001277115.2(DNAH11):c.7140_7141del (p.Val2382fs)

Gene: DNAH11 (dynein axonemal heavy chain 11; plus strand). Cytogenetic location: 7p15.3.
Variant type: Deletion.
Coding change: c.7140_7141del on transcript NM_001277115.2 (MANE Select); coding-DNA positions 7140 to 7141, 2 bases deleted (AT; older notation c.7140_7141delAT).
Protein change: p.Val2382fs; shifts the reading frame from valine 2382.
Molecular consequence: frameshift variant.
Genome position (GRCh38, 1-based): chr7:21,720,730-21,720,731, AT deleted; deleting any 2 consecutive bases within chr7:21,720,729-21,720,731 gives the same sequence; the c. name uses the placement nearest the transcript's 3' end. VCF-style (leftmost placement, unchanged base first): chr7-21720728-CTA-C. GRCh37 (hg19) VCF-style: chr7-21760346-CTA-C.
Other names: short protein forms V2382fs.
Identifiers: ClinVar variation 238930 (VCV000238930.12), dbSNP rs878854445, ClinGen allele CA4181134.